The following is an entry in ClinVar:

NM_024529.5(CDC73):c.1174_1178del (p.Lys392fs)

Gene: CDC73 (cell division cycle 73; plus strand). Cytogenetic location: 1q31.2.
Variant type: Deletion.
Coding change: c.1174_1178del on transcript NM_024529.5 (MANE Select); coding-DNA positions 1174 to 1178, 5 bases deleted (AAGAA; older notation c.1174_1178delAAGAA).
Protein change: p.Lys392fs; shifts the reading frame from lysine 392.
Molecular consequence: frameshift variant.
Genome position (GRCh38, 1-based): chr1:193,233,012-193,233,016, AAGAA deleted; deleting any 5 consecutive bases within chr1:193,233,009-193,233,016 gives the same sequence; the c. name uses the placement nearest the transcript's 3' end. VCF-style (leftmost placement, unchanged base first): chr1-193233008-TGAAAA-T. GRCh37 (hg19) VCF-style: chr1-193202138-TGAAAA-T.
Other names: short protein forms K392fs.
Identifiers: ClinVar variation 2123076 (VCV002123076.4), dbSNP rs2527493724, ClinGen allele CA2580061748.
Genomic context (GRCh38, chr1:193,233,008, plus strand): 5'-TCACGTGGAATACATTGACTTTTTCTCATCTCTGTTTTTTCAAAGATTTGTCCCATCAGA[TGAAAA>T]GAAGAAACAAGGTTGTCAACGAGAAAATGAAACTCTAATACAAAGAAGAAAAGACCAGAT-3'

ClinVar aggregate classification (germline): Pathogenic (1 of 4 stars; one submission).

Conditions:
Parathyroid carcinoma (PRTC). Also called: Parathyroid gland carcinoma; CDC73-Related Parathyroid Carcinoma. Identifiers: Orphanet 143, MedGen C0687150, MONDO:0012004, OMIM 608266, HP:0006780.

Submission:

Labcorp Genetics (formerly Invitae), Labcorp
Classification: Pathogenic for Parathyroid carcinoma. Last evaluated: 2022-04-08. Review status: criteria provided, single submitter. Criteria: Invitae Variant Classification Sherloc (09022015). Collection method: clinical testing. Allele origin: germline.
Comment: This sequence change creates a premature translational stop signal (p.Lys392Glufs*9) in the CDC73 gene. It is expected to result in an absent or disrupted protein product. Loss-of-function variants in CDC73 are known to be pathogenic (PMID: 12434154). This variant is not present in population databases (gnomAD no frequency). This variant has not been reported in the literature in individuals affected with CDC73-related conditions. For these reasons, this variant has been classified as Pathogenic.

Literature cited by the submitters: PubMed 12434154.